The following is an entry in ClinVar:

NM_030665.4(RAI1):c.3078C>T (p.Leu1026=)

Gene: RAI1 (retinoic acid induced 1; plus strand). Cytogenetic location: 17p11.2.
Variant type: single nucleotide variant.
Coding change: c.3078C>T on transcript NM_030665.4 (MANE Select); coding-DNA position 3078, C replaced by T.
Protein change: p.Leu1026=; no amino-acid change (leucine 1026 retained).
Molecular consequence: synonymous variant.
Genome position (GRCh38, 1-based): chr17:17,796,026, C>T. VCF-style: chr17-17796026-C-T. GRCh37 (hg19) VCF-style: chr17-17699340-C-T.
Identifiers: ClinVar variation 2132431 (VCV002132431.12), dbSNP rs2508585008, ClinGen allele CA498424042.

ClinVar aggregate classification (germline): Likely benign. Review status: criteria provided, multiple submitters, no conflicts (2 of 4 stars). 2 submissions from 2 submitters: Likely benign (2). Last evaluated 2025-08-01.

gnomAD v4.1: 3 of 1,592,396 alleles (0.00019%); highest among the groups gnomAD compares: Non-Finnish European, 0.00026%; no homozygotes.

Submissions (2):

CeGaT Center for Human Genetics Tuebingen
Classification: Likely benign. Last evaluated: 2025-08-01. Review status: criteria provided, single submitter. Criteria: CeGaT Center For Human Genetics Tuebingen Variant Classification Criteria Version 2. Collection method: clinical testing. Allele origin: germline. Affected: yes. Observed: 1 variant allele.
Comment: RAI1: BP4, BP7

Labcorp Genetics (formerly Invitae), Labcorp
Classification: Likely benign. Last evaluated: 2024-05-06. Review status: criteria provided, single submitter. Criteria: Invitae Variant Classification Sherloc (09022015). Collection method: clinical testing. Allele origin: germline.